The following is an entry in ClinVar:

NM_203447.4(DOCK8):c.5167_5181dup (p.Gly1727_Leu1728insPheThrGluSerGly)

Gene: DOCK8 (dedicator of cytokinesis 8; plus strand). Cytogenetic location: 9p24.3.
Variant type: Duplication.
Coding change: c.5167_5181dup on transcript NM_203447.4 (MANE Select); coding-DNA positions 5167 to 5181, 15 bases duplicated (TTCACCGAGAGTGGC).
Protein change: p.Gly1727_Leu1728insPheThrGluSerGly.
Molecular consequence: inframe insertion.
Genome position (GRCh38, 1-based): chr9:439,332-439,346, TTCACCGAGAGTGGC duplicated; duplicating any 15 consecutive bases within chr9:439,331-439,346 gives the same sequence; the c. name uses the placement nearest the transcript's 3' end. VCF-style (leftmost placement, unchanged base first): chr9-439330-A-ACTTCACCGAGAGTGG. GRCh37 (hg19) VCF-style: chr9-439330-A-ACTTCACCGAGAGTGG.
Other names: c.4867_4881dup, p.Gly1627_Leu1628insPheThrGluSerGly (NM_001190458.2); c.4963_4977dup, p.Gly1659_Leu1660insPheThrGluSerGly (NM_001193536.2).
Identifiers: ClinVar variation 4728660 (VCV004728660.1).

ClinVar aggregate classification (germline): Uncertain significance (1 of 4 stars; one submission).

Conditions:
Combined immunodeficiency due to DOCK8 deficiency (HIES2). Also called: HIES autosomal recessive; Hyper-IgE recurrent infection syndrome, autosomal recessive; DOCK8 Deficiency; HYPER-IgE SYNDROME 2, AUTOSOMAL RECESSIVE, WITH RECURRENT INFECTIONS; HYPER-IgE RECURRENT INFECTION SYNDROME 2, AUTOSOMAL RECESSIVE. Identifiers: Orphanet 217390, MedGen C4722305, MONDO:0009478, OMIM 243700.

Submission:

Labcorp Genetics (formerly Invitae), Labcorp
Classification: Uncertain significance for Combined immunodeficiency due to DOCK8 deficiency. Last evaluated: 2025-10-29. Review status: criteria provided, single submitter. Criteria: Invitae Variant Classification Sherloc (09022015). Collection method: clinical testing. Allele origin: germline.
Comment: This variant, c.5167_5181dup, results in the insertion of 5 amino acid(s) of the DOCK8 protein (p.Phe1723_Gly1727dup), but otherwise preserves the integrity of the reading frame. This variant is not present in population databases (gnomAD no frequency). This variant has not been reported in the literature in individuals affected with DOCK8-related conditions. In summary, the available evidence is currently insufficient to determine the role of this variant in disease. Therefore, it has been classified as a Variant of Uncertain Significance.